The following is an entry in ClinVar:

NM_018706.7(DHTKD1):c.1999G>A (p.Asp667Asn)

Gene: DHTKD1 (dehydrogenase E1 and transketolase domain containing 1; plus strand). Cytogenetic location: 10p14.
Variant type: single nucleotide variant.
Coding change: c.1999G>A on transcript NM_018706.7 (MANE Select); coding-DNA position 1999, G replaced by A.
Protein change: p.Asp667Asn; replaces aspartic acid 667 with asparagine.
Molecular consequence: missense variant.
Genome position (GRCh38, 1-based): chr10:12,106,348, G>A. VCF-style: chr10-12106348-G-A. GRCh37 (hg19) VCF-style: chr10-12148347-G-A.
Other names: short protein forms D667N.
Identifiers: ClinVar variation 1878895 (VCV001878895.1), dbSNP rs371485560, ClinGen allele CA202553593.

ClinVar aggregate classification (germline): Uncertain significance (1 of 4 stars; one submission).

Allele frequency attached by ClinVar (database versions not stated): TOPMed below 0.00001; ESP Exome Variant Server 0.00008.
gnomAD v4.1: 41 of 1,614,068 alleles (0.0025%); highest among the groups gnomAD compares: South Asian, 0.0033%; no homozygotes.

Submission:

GeneDx
Classification: Uncertain significance. Last evaluated: 2022-07-15. Review status: criteria provided, single submitter. Criteria: GeneDx Variant Classification Process June 2021. Collection method: clinical testing. Allele origin: germline. Affected: yes.
Comment: In silico analysis supports that this missense variant has a deleterious effect on protein structure/function; Has not been previously published as pathogenic or benign to our knowledge